The following is an entry in ClinVar:

NM_000541.5(SAG):c.13G>A (p.Gly5Arg)

Gene: SAG (S-antigen visual arrestin; plus strand). Cytogenetic location: 2q37.1.
Variant type: single nucleotide variant.
Coding change: c.13G>A on transcript NM_000541.5 (MANE Select); coding-DNA position 13, G replaced by A.
Protein change: p.Gly5Arg; replaces glycine 5 with arginine.
Molecular consequence: missense variant.
Genome position (GRCh38, 1-based): chr2:233,309,202, G>A. VCF-style: chr2-233309202-G-A. GRCh37 (hg19) VCF-style: chr2-234217848-G-A.
Other names: short protein forms G5R.
Identifiers: ClinVar variation 958764 (VCV000958764.8), dbSNP rs996188359, ClinGen allele CA67532201.

ClinVar aggregate classification (germline): Uncertain significance. Review status: criteria provided, multiple submitters, no conflicts (2 of 4 stars). 2 submissions from 2 submitters: Uncertain significance (2). Last evaluated 2026-05-05.

Conditions:
SAG-related disorder. Also called: SAG-related condition; SAG-related disorders.

Allele frequency attached by ClinVar (database versions not stated): gnomAD 0.00001; gnomAD exomes 0.00001; TOPMed 0.00002.
gnomAD v4.1: 16 of 1,613,490 alleles (0.00099%); highest among the groups gnomAD compares: East Asian, 0.0089%; no homozygotes.

Submissions (2):

PreventionGenetics, part of Exact Sciences
Classification: Uncertain significance for SAG-related condition. Last evaluated: 2026-05-05. Review status: criteria provided, single submitter. Criteria: ACMG Guidelines, 2015. Collection method: clinical testing. Allele origin: germline.
Comment: The SAG c.13G>A variant is predicted to result in the amino acid substitution p.Gly5Arg. To our knowledge, this variant has not been reported in the literature or in a large population database (gnomAD), indicating this variant is rare. At this time, the clinical significance of this variant is uncertain due to the absence of conclusive functional and genetic evidence.

Labcorp Genetics (formerly Invitae), Labcorp
Classification: Uncertain significance. Last evaluated: 2024-05-19. Review status: criteria provided, single submitter. Criteria: Invitae Variant Classification Sherloc (09022015). Collection method: clinical testing. Allele origin: germline.
Comment: This sequence change replaces glycine, which is neutral and non-polar, with arginine, which is basic and polar, at codon 5 of the SAG protein (p.Gly5Arg). This variant is present in population databases (no rsID available, gnomAD 0.003%). This variant has not been reported in the literature in individuals affected with SAG-related conditions. ClinVar contains an entry for this variant (Variation ID: 958764). An algorithm developed to predict the effect of missense changes on protein structure and function (PolyPhen-2) suggests that this variant is likely to be tolerated. In summary, the available evidence is currently insufficient to determine the role of this variant in disease. Therefore, it has been classified as a Variant of Uncertain Significance.